The following is an entry in ClinVar:

ClinVar aggregate classification (germline): Conflicting classifications of pathogenicity. Review status: criteria provided, conflicting classifications (1 of 4 stars). 4 submissions from 4 submitters: Uncertain significance (3); Likely benign (1). Last evaluated 2021-07-26.

Conditions:
Autosomal recessive limb-girdle muscular dystrophy type 2J (LGMDR10). Also called: Limb-girdle muscular dystrophy, type 2J; MUSCULAR DYSTROPHY, LIMB-GIRDLE, AUTOSOMAL RECESSIVE 10. Identifiers: Orphanet 140922, MedGen C1837342, MONDO:0012127, OMIM 608807.
Dilated cardiomyopathy 1G (CMD1G). Identifiers: Orphanet 154, MedGen C1858763, MONDO:0011400, OMIM 604145.

Allele frequency attached by ClinVar (database versions not stated): gnomAD 0.00001; gnomAD exomes 0.00001; TOPMed 0.00001.
gnomAD v4.1: 21 of 1,613,964 alleles (0.0013%); highest among the groups gnomAD compares: Middle Eastern, 0.016%; no homozygotes.

Submissions (4):

Mayo Clinic Laboratories, Mayo Clinic
Classification: Uncertain significance. Last evaluated: 2021-07-26. Review status: criteria provided, single submitter. Criteria: ACMG Guidelines, 2015. Collection method: clinical testing. Allele origin: germline.

GeneDx
Classification: Likely benign. Last evaluated: 2018-11-23. Review status: criteria provided, single submitter. Criteria: GeneDx Variant Classification Process June 2021. Collection method: clinical testing. Allele origin: germline. Affected: yes.

Labcorp Genetics (formerly Invitae), Labcorp
Classification: Uncertain significance for Dilated cardiomyopathy 1G; Autosomal recessive limb-girdle muscular dystrophy type 2J. Last evaluated: 2017-12-04. Review status: criteria provided, single submitter. Criteria: Invitae Variant Classification Sherloc (09022015). Collection method: clinical testing. Allele origin: germline.

Laboratory for Molecular Medicine, Mass General Brigham Personalized Medicine
Classification: Uncertain significance. Last evaluated: 2015-02-05. Review status: criteria provided, single submitter. Criteria: LMM Criteria. Collection method: clinical testing. Allele origin: germline. Observed: 1 variant allele.
Comment: Variant classified as Uncertain Significance - Favor Benign. The p.Gly736Arg var iant in TTN has not been previously reported in individuals with cardiomyopathy or in large population studies. Glycine (Gly) at position 736 is not conserved i n mammals or in evolutionarily distant species with 1 primate (gorilla) having a n arginine (Arg) at this position, suggesting that this change may be tolerated. Additional computational prediction tools suggest that this variant may not imp act the protein, though this information is not predictive enough to rule out pa thogenicity. In summary, while the clinical significance of the p.Gly736Arg vari ant is uncertain, the presence of the variant amino acid in another primate sugg ests that it is more likely to be benign.

NM_001267550.2(TTN):c.2206G>A (p.Gly736Arg)

Gene: TTN (titin; minus strand). Cytogenetic location: 2q31.2.
Variant type: single nucleotide variant.
Coding change: c.2206G>A on transcript NM_001267550.2 (MANE Select); coding-DNA position 2206, G replaced by A.
Protein change: p.Gly736Arg; replaces glycine 736 with arginine.
Molecular consequence: missense variant.
Genome position (GRCh38, 1-based): chr2:178,786,012, C>T on the plus strand (G>A on the coding strand, the complement: TTN is on the minus strand). VCF-style: chr2-178786012-C-T. GRCh37 (hg19) VCF-style: chr2-179650739-C-T.
Other names: c.2206G>A, p.Gly736Arg (NM_133378.4, NM_001256850.1, NM_133379.5); c.2068G>A, p.Gly690Arg (NM_003319.4, NM_133432.3, NM_133437.4); short protein forms G736R, G690R.
Identifiers: ClinVar variation 229404 (VCV000229404.13), dbSNP rs876658047, ClinGen allele CA10576581.